The following is an entry in ClinVar:

ClinVar aggregate classification (germline): Likely pathogenic (1 of 4 stars; one submission).

Conditions:
Hereditary breast ovarian cancer syndrome. Also called: Hereditary breast and ovarian cancer syndrome (HBOC); Hereditary breast and ovarian cancer syndrome; Breast and ovarian cancer; Hereditary breast and/or ovarian cancer syndrome; Hereditary breast and ovarian cancer; BRCA1- and BRCA2-Associated Hereditary Breast and Ovarian Cancer. Identifiers: Orphanet 145, MedGen C0677776, MeSH D061325, MONDO:0003582. Disease mechanism: loss of function.

Submission:

Labcorp Genetics (formerly Invitae), Labcorp
Classification: Likely pathogenic for Hereditary breast and ovarian cancer syndrome. Last evaluated: 2019-12-11. Review status: criteria provided, single submitter. Criteria: Invitae Variant Classification Sherloc (09022015). Collection method: clinical testing. Allele origin: germline.
Comment: This variant results in a copy number gain of the genomic region encompassing exon 3 of the BRCA1 gene. While the exact position of this variant cannot be determined from this data, sub-genic copy number gains are generally in tandem (PMID: 25640679). This variant would be expected to be in-frame, preserving the integrity of the reading frame. A similar duplication of exon 3 in BRCA1 (3 copies) has been observed in an individual affected with breast cancer (PMID: 20451485). ClinVar contains an entry for this variant (Variation ID: 267621). Multiple missense variants in this region have been reported to affect BRCA1 protein function (PMID: 30209399). This observation suggests that structural disruption of this region may affect BRCA1 protein function. If this copy number gain occurs in tandem, it will disrupt the integrity of the BRCA1 RING domain, which is essential for BRCA1 protein function (PMID: 11573085, 25652403, 20029420). In summary, the currently available evidence indicates that the variant is pathogenic, but additional data are needed to prove that conclusively. Therefore, this variant has been classified as Likely Pathogenic.

Literature cited by the submitters: PubMed 20029420; PubMed 30209399; PubMed 11573085; PubMed 25652403; PubMed 20451485.

NC_000017.10:g.(?_41267737)_(41267802_?)dup

Gene: BRCA1 (BRCA1 DNA repair associated; minus strand). Cytogenetic location: 17q21.31.
Variant type: Duplication.
Identifiers: ClinVar variation 462211 (VCV000462211.2).